The following is an entry in ClinVar:

NM_020987.5(ANK3):c.9466G>T (p.Val3156Leu)

Gene: ANK3 (ankyrin 3; minus strand). Cytogenetic location: 10q21.2.
Variant type: single nucleotide variant.
Coding change: c.9466G>T on transcript NM_020987.5 (MANE Select); coding-DNA position 9466, G replaced by T.
Protein change: p.Val3156Leu; replaces valine 3156 with leucine.
Molecular consequence: missense variant. On other transcripts: intron variant (4).
Genome position (GRCh38, 1-based): chr10:60,071,415, C>A on the plus strand (G>T on the coding strand, the complement: ANK3 is on the minus strand). VCF-style: chr10-60071415-C-A. GRCh37 (hg19) VCF-style: chr10-61831173-C-A.
Other names: c.4388-3406G>T (NM_001204403.2); c.4409-3406G>T (NM_001204404.2); c.4406-3406G>T (NM_001320874.2); c.1808-3406G>T (NM_001149.4); short protein forms V3156L.
Identifiers: ClinVar variation 2881125 (VCV002881125.3), dbSNP rs2492532902, ClinGen allele CA377003117.
Genomic context (GRCh38, chr10:60,071,415, plus strand): 5'-CCTCTGAACTGGGTGTTTCTGGGGTTAAAGGGCTTTTCCCAGAGCTGTCTAGAAAGGATA[C>A]TTGCTCTAGAGTATCATCTTCTGGACTACCTTGGGGAGAAGGAGGTTGCTTTTGCTGTCT-3'
Protein context (NP_066267.2, residues 3146-3166): GSPEDDTLEQ[Val3156Leu]SFLDSSGKSP

ClinVar aggregate classification (germline): Uncertain significance (1 of 4 stars; one submission).

Submission:

Labcorp Genetics (formerly Invitae), Labcorp
Classification: Uncertain significance. Last evaluated: 2024-10-08. Review status: criteria provided, single submitter. Criteria: Invitae Variant Classification Sherloc (09022015). Collection method: clinical testing. Allele origin: germline.
Comment: This sequence change replaces valine, which is neutral and non-polar, with leucine, which is neutral and non-polar, at codon 3156 of the ANK3 protein (p.Val3156Leu). This variant is not present in population databases (gnomAD no frequency). This variant has not been reported in the literature in individuals affected with ANK3-related conditions. Invitae Evidence Modeling of protein sequence and biophysical properties (such as structural, functional, and spatial information, amino acid conservation, physicochemical variation, residue mobility, and thermodynamic stability) indicates that this missense variant is not expected to disrupt ANK3 protein function with a negative predictive value of 80%. In summary, the available evidence is currently insufficient to determine the role of this variant in disease. Therefore, it has been classified as a Variant of Uncertain Significance.